The following is an entry in ClinVar:

ClinVar aggregate classification (somatic clinical impact): Tier I - Strong (1 of 4 stars; one submission).

Conditions:
Clear cell meningioma. Identifiers: MedGen C0431121, MONDO:0002918.

Submission:

Institute for Genomic Medicine (IGM) Clinical Laboratory, Nationwide Children's Hospital
Classification: Tier I - Strong for Clear cell meningioma. Assertion type: diagnostic. Clinical significance: supports diagnosis. Last evaluated: 2024-07-31. Review status: criteria provided, single submitter. Criteria: AMP/ASCO/CAP Guidelines, 2017. Collection method: clinical testing. Allele origin: somatic. Affected: yes.
Comment: Variant has Tier I (strong) clinical significance as a diagnostic inclusion criterion in clear cell meningioma, based on the following evidence: 1) Diagnostic for a specific tumor type/classification according to professional guidelines (Evidence Level A).

NM_003079.5(SMARCE1):c.714+3A>C

Gene: SMARCE1 (SWI/SNF related BAF chromatin remodeling complex subunit E1; minus strand). Cytogenetic location: 17q21.2.
Variant type: single nucleotide variant.
Coding change: c.714+3A>C on transcript NM_003079.5 (MANE Select); 3 bases into the intron after coding-DNA position 714, A replaced by C.
Molecular consequence: intron variant.
Genome position (GRCh38, 1-based): chr17:40,632,192, T>G on the plus strand (A>C on the coding strand, the complement: SMARCE1 is on the minus strand). VCF-style: chr17-40632192-T-G. GRCh37 (hg19) VCF-style: chr17-38788444-T-G.
Identifiers: ClinVar variation 4530293 (VCV004530293.1).